The following is an entry in ClinVar:

NM_014028.4(OSTM1):c.256G>T (p.Glu86Ter)

Gene: OSTM1 (osteoclastogenesis associated transmembrane protein 1; minus strand). Cytogenetic location: 6q21.
Variant type: single nucleotide variant.
Coding change: c.256G>T on transcript NM_014028.4 (MANE Select); coding-DNA position 256, G replaced by T.
Protein change: p.Glu86Ter; replaces glutamic acid 86 with a stop codon.
Molecular consequence: nonsense.
Genome position (GRCh38, 1-based): chr6:108,074,396, C>A on the plus strand (G>T on the coding strand, the complement: OSTM1 is on the minus strand). VCF-style: chr6-108074396-C-A. GRCh37 (hg19) VCF-style: chr6-108395600-C-A.
Other names: short protein forms E86*.
Identifiers: ClinVar variation 2915422 (VCV002915422.3), dbSNP rs752665241, ClinGen allele CA3948105.

ClinVar aggregate classification (germline): Pathogenic (1 of 4 stars; one submission).

Allele frequency attached by ClinVar (database versions not stated): gnomAD exomes 0.00001; ExAC 0.00003.
gnomAD v4.1: 4 of 1,577,610 alleles (0.00025%); highest among the groups gnomAD compares: Non-Finnish European, 0.00034%; no homozygotes.

Submission:

Labcorp Genetics (formerly Invitae), Labcorp
Classification: Pathogenic. Last evaluated: 2023-10-30. Review status: criteria provided, single submitter. Criteria: Invitae Variant Classification Sherloc (09022015). Collection method: clinical testing. Allele origin: germline.
Comment: This sequence change creates a premature translational stop signal (p.Glu86*) in the OSTM1 gene. It is expected to result in an absent or disrupted protein product. Loss-of-function variants in OSTM1 are known to be pathogenic (PMID: 12627228, 15108279, 16813530). The frequency data for this variant in the population databases is considered unreliable, as metrics indicate poor data quality at this position in the gnomAD database. This premature translational stop signal has been observed in individual(s) with osteopetrosis (PMID: 17922613). For these reasons, this variant has been classified as Pathogenic.

Literature cited by the submitters: PubMed 12627228; PubMed 15108279; PubMed 16813530; PubMed 17922613.